The following is an entry in ClinVar:

NM_006662.3(SRCAP):c.1699G>A (p.Gly567Ser)

Gene: SRCAP (Snf2 related CREBBP activator protein; plus strand). Cytogenetic location: 16p11.2.
Variant type: single nucleotide variant.
Coding change: c.1699G>A on transcript NM_006662.3 (MANE Select); coding-DNA position 1699, G replaced by A.
Protein change: p.Gly567Ser; replaces glycine 567 with serine.
Molecular consequence: missense variant.
Genome position (GRCh38, 1-based): chr16:30,712,041, G>A. VCF-style: chr16-30712041-G-A. GRCh37 (hg19) VCF-style: chr16-30723362-G-A.
Other names: c.1699G>A (NM_006662.2); short protein forms G567S.
Identifiers: ClinVar variation 2015515 (VCV002015515.6), dbSNP rs1042733752, ClinGen allele CA280506118.

ClinVar aggregate classification (germline): Uncertain significance. Review status: criteria provided, multiple submitters, no conflicts (2 of 4 stars). 3 submissions from 3 submitters: Uncertain significance (3). Last evaluated 2024-01-20.

Conditions:
Floating-Harbor syndrome (FLHS). Also called: SRCAP-Related Floating-Harbor Syndrome; Short stature with delayed bone age, expressive language delay, a triangular face with a prominent nose and deep-set eyes; Pelletier-Leisti syndrome. Identifiers: Orphanet 2044, MedGen C0729582, MONDO:0007621, OMIM 136140.
Developmental delay, hypotonia, musculoskeletal defects, and behavioral abnormalities. Identifiers: MedGen C5562012, MONDO:0859202, OMIM 619595.

Allele frequency attached by ClinVar (database versions not stated): gnomAD exomes below 0.00001; TOPMed 0.00001.
gnomAD v4.1: 1 of 1,614,024 alleles (0.000062%); highest among the groups gnomAD compares: Non-Finnish European, 0.000085%; no homozygotes.

Submissions (3):

Fulgent Genetics
Classification: Uncertain significance for Floating-Harbor syndrome; Developmental delay, hypotonia, musculoskeletal defects, and behavioral abnormalities. Last evaluated: 2024-01-20. Review status: criteria provided, single submitter. Criteria: ACMG Guidelines, 2015. Collection method: clinical testing. Allele origin: germline.

GeneDx
Classification: Uncertain significance. Last evaluated: 2023-12-20. Review status: criteria provided, single submitter. Criteria: GeneDx Variant Classification Process June 2021. Collection method: clinical testing. Allele origin: germline. Affected: yes.
Comment: Not observed at significant frequency in large population cohorts (gnomAD); In silico analysis supports that this missense variant does not alter protein structure/function; Has not been previously published as pathogenic or benign to our knowledge

Labcorp Genetics (formerly Invitae), Labcorp
Classification: Uncertain significance. Last evaluated: 2022-07-09. Review status: criteria provided, single submitter. Criteria: Invitae Variant Classification Sherloc (09022015). Collection method: clinical testing. Allele origin: germline.
Comment: This variant is not present in population databases (gnomAD no frequency). This sequence change replaces glycine, which is neutral and non-polar, with serine, which is neutral and polar, at codon 567 of the SRCAP protein (p.Gly567Ser). This variant has not been reported in the literature in individuals affected with SRCAP-related conditions. In summary, the available evidence is currently insufficient to determine the role of this variant in disease. Therefore, it has been classified as a Variant of Uncertain Significance. Algorithms developed to predict the effect of missense changes on protein structure and function are either unavailable or do not agree on the potential impact of this missense change (SIFT: "Deleterious"; PolyPhen-2: "Not Available"; Align-GVGD: "Class C0").